The following is an entry in ClinVar:

ClinVar aggregate classification (germline): Likely benign. Review status: criteria provided, multiple submitters, no conflicts (2 of 4 stars). 9 submissions from 9 submitters: Likely benign (5). 4 of the submissions do not count toward it. Last evaluated 2026-08-01.

Conditions:
DOCK6-related disorder. Also called: DOCK6-related condition.
Adams-Oliver syndrome 2 (AOS2). Identifiers: Orphanet 974, MedGen C3280182, MONDO:0013635, OMIM 614219.

Allele frequency attached by ClinVar (database versions not stated): 1000 Genomes Project 0.00280; 1000 Genomes Project 30x 0.00281; gnomAD exomes 0.00295 and 0.00306; ESP Exome Variant Server 0.00328; gnomAD 0.00330 and 0.00333; ExAC 0.00390; TOPMed 0.00414.

Submissions (9):

CeGaT Center for Human Genetics Tuebingen
Classification: Likely benign. Last evaluated: 2026-08-01. Review status: criteria provided, single submitter. Criteria: CeGaT Center For Human Genetics Tuebingen Variant Classification Criteria Version 2. Collection method: clinical testing. Allele origin: germline. Affected: yes. Observed: 22 variant alleles.
Comment: DOCK6: BS2

Labcorp Genetics (formerly Invitae), Labcorp
Classification: Likely benign. Last evaluated: 2026-02-03. Review status: criteria provided, single submitter. Criteria: Invitae Variant Classification Sherloc (09022015). Collection method: clinical testing. Allele origin: germline.

GeneDx
Classification: Likely benign. Last evaluated: 2022-11-28. Review status: criteria provided, single submitter. Criteria: GeneDx Variant Classification Process June 2021. Collection method: clinical testing. Allele origin: germline. Affected: yes.
Comment: See Variant Classification Assertion Criteria.

Fulgent Genetics
Classification: Likely benign for Adams-Oliver syndrome 2. Last evaluated: 2021-10-20. Review status: criteria provided, single submitter. Criteria: ACMG Guidelines, 2015. Collection method: clinical testing. Allele origin: unknown.

Breakthrough Genomics
Classification: Likely benign. Review status: criteria provided, single submitter. Criteria: ACMG Guidelines, 2015. Collection method: not provided. Allele origin: germline. Inheritance: Autosomal recessive inheritance. Affected: yes.

PreventionGenetics, part of Exact Sciences
Classification: Likely benign for DOCK6-related condition. Last evaluated: 2019-05-02. Review status: no assertion criteria provided. Collection method: clinical testing. Allele origin: germline. Not counted in ClinVar's aggregate classification.
Comment: This variant is classified as likely benign based on ACMG/AMP sequence variant interpretation guidelines (Richards et al. 2015 PMID: 25741868, with internal and published modifications).

Clinical Genetics DNA and cytogenetics Diagnostics Lab, Erasmus MC, Erasmus Medical Center
Classification: Likely benign. Review status: no assertion criteria provided. Collection method: clinical testing. Allele origin: germline. Affected: yes. Study: VKGL Data-share Consensus. Not counted in ClinVar's aggregate classification.

Clinical Genetics, Academic Medical Center
Classification: Likely benign. Review status: no assertion criteria provided. Collection method: clinical testing. Allele origin: germline. Affected: yes. Study: VKGL Data-share Consensus. Not counted in ClinVar's aggregate classification.

Laboratory of Diagnostic Genome Analysis, Leiden University Medical Center (LUMC)
Classification: Likely benign. Review status: no assertion criteria provided. Collection method: clinical testing. Allele origin: germline. Affected: yes. Study: VKGL Data-share Consensus. Not counted in ClinVar's aggregate classification.

NM_020812.4(DOCK6):c.1289G>A (p.Arg430His)

Gene: DOCK6 (dedicator of cytokinesis 6; minus strand). Cytogenetic location: 19p13.2.
Variant type: single nucleotide variant.
Coding change: c.1289G>A on transcript NM_020812.4 (MANE Select); coding-DNA position 1289, G replaced by A.
Protein change: p.Arg430His; replaces arginine 430 with histidine.
Molecular consequence: missense variant.
Genome position (GRCh38, 1-based): chr19:11,243,355, C>T on the plus strand (G>A on the coding strand, the complement: DOCK6 is on the minus strand). VCF-style: chr19-11243355-C-T. GRCh37 (hg19) VCF-style: chr19-11354031-C-T.
Other names: c.1289G>A, p.Arg430His (NM_001367830.1); short protein forms R430H.
Identifiers: ClinVar variation 771212 (VCV000771212.42), dbSNP rs143655255, ClinGen allele CA9208184.